The following is an entry in ClinVar:

NM_001286611.2(REPS1):c.1616C>G (p.Thr539Arg)

Gene: REPS1 (RALBP1 associated Eps domain containing 1; minus strand). Cytogenetic location: 6q24.1.
Variant type: single nucleotide variant.
Coding change: c.1616C>G on transcript NM_001286611.2 (MANE Select); coding-DNA position 1616, C replaced by G.
Protein change: p.Thr539Arg; replaces threonine 539 with arginine.
Molecular consequence: missense variant. On other transcripts: intron variant (1).
Genome position (GRCh38, 1-based): chr6:138,915,962, G>C on the plus strand (C>G on the coding strand, the complement: REPS1 is on the minus strand). VCF-style: chr6-138915962-G-C. GRCh37 (hg19) VCF-style: chr6-139237099-G-C.
Other names: c.1535C>G, p.Thr512Arg (NM_001128617.3); c.1613C>G, p.Thr538Arg (NM_031922.5); c.1448-1201C>G (NM_001286612.2); short protein forms T538R, T539R, T512R.
Identifiers: ClinVar variation 1485701 (VCV001485701.8), dbSNP rs373034841, ClinGen allele CA365809118.

ClinVar aggregate classification (germline): Uncertain significance (1 of 4 stars; one submission).

Submission:

Labcorp Genetics (formerly Invitae), Labcorp
Classification: Uncertain significance. Last evaluated: 2020-11-16. Review status: criteria provided, single submitter. Criteria: Invitae Variant Classification Sherloc (09022015). Collection method: clinical testing. Allele origin: germline.
Comment: This sequence change replaces threonine with arginine at codon 539 of the REPS1 protein (p.Thr539Arg). The threonine residue is highly conserved and there is a moderate physicochemical difference between threonine and arginine. This variant is not present in population databases (ExAC no frequency). This variant has not been reported in the literature in individuals with REPS1-related conditions. Algorithms developed to predict the effect of missense changes on protein structure and function are either unavailable or do not agree on the potential impact of this missense change (SIFT: "Deleterious"; PolyPhen-2: "Benign"; Align-GVGD: "Class C0"). In summary, the available evidence is currently insufficient to determine the role of this variant in disease. Therefore, it has been classified as a Variant of Uncertain Significance.